The following is an entry in ClinVar:

ClinVar aggregate classification (germline): Benign/Likely benign. Review status: criteria provided, multiple submitters, no conflicts (2 of 4 stars). 4 submissions from 4 submitters: Benign (1); Likely benign (3). Last evaluated 2025-08-07.

Conditions:
Familial adenomatous polyposis 1 (FAP1). Also called: POLYPOSIS, ADENOMATOUS INTESTINAL; FAMILIAL ADENOMATOUS POLYPOSIS 1, ATTENUATED. Identifiers: MedGen C2713442, MONDO:0021056, OMIM 175100. Disease mechanism: loss of function.
Hereditary cancer-predisposing syndrome. Also called: Hereditary neoplastic syndrome; Neoplastic Syndromes, Hereditary; Tumor predisposition; Hereditary Cancer Syndrome. Identifiers: Orphanet 140162, MedGen C0027672, MeSH D009386, MONDO:0015356.

Allele frequency attached by ClinVar (database versions not stated): TOPMed below 0.00001; gnomAD exomes 0.00003; ExAC 0.00006.
gnomAD v4.1: 16 of 1,614,066 alleles (0.00099%); highest among the groups gnomAD compares: South Asian, 0.018%; no homozygotes.

Submissions (4):

Labcorp Genetics (formerly Invitae), Labcorp
Classification: Likely benign for Familial adenomatous polyposis 1. Last evaluated: 2025-08-07. Review status: criteria provided, single submitter. Criteria: Invitae Variant Classification Sherloc (09022015). Collection method: clinical testing. Allele origin: germline.

Myriad Genetics, Inc.
Classification: Benign for Familial adenomatous polyposis 1. Last evaluated: 2024-03-26. Review status: criteria provided, single submitter. Criteria: Myriad Autosomal Dominant, Autosomal Recessive and X-Linked Classification Criteria (2023). Collection method: clinical testing. Allele origin: unknown.
Comment: This variant is considered benign. This variant is a silent/synonymous amino acid change and it is not expected to impact splicing.

Ambry Genetics
Classification: Likely benign for Hereditary cancer-predisposing syndrome. Last evaluated: 2022-02-18. Review status: criteria provided, single submitter. Criteria: Ambry Variant Classification Scheme 2023. Collection method: clinical testing. Allele origin: germline.

Color Diagnostics, LLC DBA Color Health
Classification: Likely benign for Hereditary cancer-predisposing syndrome. Last evaluated: 2019-01-02. Review status: criteria provided, single submitter. Criteria: ACMG Guidelines, 2015. Collection method: clinical testing. Allele origin: germline.

NM_000038.6(APC):c.4251T>C (p.Ile1417=)

Gene: APC (APC regulator of Wnt signaling pathway; plus strand). Cytogenetic location: 5q22.2.
Variant type: single nucleotide variant.
Coding change: c.4251T>C on transcript NM_000038.6 (MANE Select); coding-DNA position 4251, T replaced by C.
Protein change: p.Ile1417=; no amino-acid change (isoleucine 1417 retained).
Molecular consequence: synonymous variant.
Genome position (GRCh38, 1-based): chr5:112,839,845, T>C. VCF-style: chr5-112839845-T-C. GRCh37 (hg19) VCF-style: chr5-112175542-T-C.
Other names: c.4251T>C, p.Ile1417= (NM_001127510.3, NM_001354895.2); c.4197T>C, p.Ile1399= (NM_001127511.3); c.4305T>C, p.Ile1435= (NM_001354896.2); c.4281T>C, p.Ile1427= (NM_001354897.2); c.4176T>C, p.Ile1392= (NM_001354898.2); c.4167T>C, p.Ile1389= (NM_001354899.2); c.4128T>C, p.Ile1376= (NM_001354900.2); c.4074T>C, p.Ile1358= (NM_001354901.2); and 5 more.
Identifiers: ClinVar variation 469956 (VCV000469956.15), dbSNP rs758171294, ClinGen allele CA038483.